The following is an entry in ClinVar:

ClinVar aggregate classification (germline): Uncertain significance (1 of 4 stars; one submission).

Conditions:
EGFR-related lung cancer (EGFR). Identifiers: MedGen CN130014.

Submission:

Labcorp Genetics (formerly Invitae), Labcorp
Classification: Uncertain significance for EGFR-related lung cancer. Last evaluated: 2023-07-08. Review status: criteria provided, single submitter. Criteria: Invitae Variant Classification Sherloc (09022015). Collection method: clinical testing. Allele origin: germline.
Comment: This variant is not present in population databases (gnomAD no frequency). This sequence change replaces isoleucine, which is neutral and non-polar, with threonine, which is neutral and polar, at codon 965 of the EGFR protein (p.Ile965Thr). This variant has not been reported in the literature in individuals affected with EGFR-related conditions. In summary, the available evidence is currently insufficient to determine the role of this variant in disease. Therefore, it has been classified as a Variant of Uncertain Significance. Advanced modeling of protein sequence and biophysical properties (such as structural, functional, and spatial information, amino acid conservation, physicochemical variation, residue mobility, and thermodynamic stability) performed at Invitae indicates that this missense variant is not expected to disrupt EGFR protein function.

NM_005228.5(EGFR):c.2894T>C (p.Ile965Thr)

Gene: EGFR (epidermal growth factor receptor; plus strand). Cytogenetic location: 7p11.2.
Variant type: single nucleotide variant.
Coding change: c.2894T>C on transcript NM_005228.5 (MANE Select); coding-DNA position 2894, T replaced by C.
Protein change: p.Ile965Thr; replaces isoleucine 965 with threonine.
Molecular consequence: missense variant.
Genome position (GRCh38, 1-based): chr7:55,200,361, T>C. VCF-style: chr7-55200361-T-C. GRCh37 (hg19) VCF-style: chr7-55268054-T-C.
Other names: c.2759T>C, p.Ile920Thr (NM_001346897.2, NM_001346899.2); c.2894T>C, p.Ile965Thr (NM_001346898.2); c.2735T>C, p.Ile912Thr (NM_001346900.2); c.2093T>C, p.Ile698Thr (NM_001346941.2); short protein forms I698T, I965T, I912T, I920T.
Identifiers: ClinVar variation 2812499 (VCV002812499.3), dbSNP rs2128969887, ClinGen allele CA367581861.